The following is an entry in ClinVar:

ClinVar aggregate classification (germline): Uncertain significance (1 of 4 stars; one submission).

Allele frequency attached by ClinVar (database versions not stated): gnomAD exomes below 0.00001.
gnomAD v4.1: 6 of 1,613,000 alleles (0.00037%); highest among the groups gnomAD compares: South Asian, 0.0055%; no homozygotes.

Submission:

Labcorp Genetics (formerly Invitae), Labcorp
Classification: Uncertain significance. Last evaluated: 2022-07-05. Review status: criteria provided, single submitter. Criteria: Invitae Variant Classification Sherloc (09022015). Collection method: clinical testing. Allele origin: germline.
Comment: This sequence change replaces aspartic acid, which is acidic and polar, with tyrosine, which is neutral and polar, at codon 1067 of the SLC12A1 protein (p.Asp1067Tyr). This variant is present in population databases (no rsID available, gnomAD 0.003%). This variant has not been reported in the literature in individuals affected with SLC12A1-related conditions. ClinVar contains an entry for this variant (Variation ID: 1350475). Algorithms developed to predict the effect of missense changes on protein structure and function are either unavailable or do not agree on the potential impact of this missense change (SIFT: "Deleterious"; PolyPhen-2: "Possibly Damaging"; Align-GVGD: "Class C0"). In summary, the available evidence is currently insufficient to determine the role of this variant in disease. Therefore, it has been classified as a Variant of Uncertain Significance.

NM_000338.3(SLC12A1):c.3199G>T (p.Asp1067Tyr)

Gene: SLC12A1 (solute carrier family 12 member 1; plus strand). Cytogenetic location: 15q21.1.
Variant type: single nucleotide variant.
Coding change: c.3199G>T on transcript NM_000338.3 (MANE Select); coding-DNA position 3199, G replaced by T.
Protein change: p.Asp1067Tyr; replaces aspartic acid 1067 with tyrosine.
Molecular consequence: missense variant.
Genome position (GRCh38, 1-based): chr15:48,302,784, G>T. VCF-style: chr15-48302784-G-T. GRCh37 (hg19) VCF-style: chr15-48594981-G-T.
Other names: c.3199G>T, p.Asp1067Tyr (NM_001184832.2, NM_001384136.1); short protein forms D1067Y.
Identifiers: ClinVar variation 1350475 (VCV001350475.3), dbSNP rs1439503539, ClinGen allele CA392322022.